The following is an entry in ClinVar:

NM_005188.4(CBL):c.1432G>C (p.Val478Leu)

Gene: CBL (Cbl proto-oncogene; plus strand). Cytogenetic location: 11q23.3.
Variant type: single nucleotide variant.
Coding change: c.1432G>C on transcript NM_005188.4 (MANE Select); coding-DNA position 1432, G replaced by C.
Protein change: p.Val478Leu; replaces valine 478 with leucine.
Molecular consequence: missense variant.
Genome position (GRCh38, 1-based): chr11:119,284,969, G>C. VCF-style: chr11-119284969-G-C. GRCh37 (hg19) VCF-style: chr11-119155679-G-C.
Other names: c.1432G>C (NM_005188.2); short protein forms V478L.
Identifiers: ClinVar variation 3345161 (VCV003345161.2).
Genomic context (GRCh38, chr11:119,284,969, plus strand): 5'-AGTTGAAAGATGCCATTTCCCCAAACGAAAGTAATCTGTTAAATTTTTTATGTACCCTAG[G>C]TGGAACGGCCGCCTTCTCCATTCTCCATGGCCCCACAAGCTTCCCTTCCCCCGGTGCCAC-3'
Protein context (NP_005179.2, residues 468-488): FMMKELAGAK[Val478Leu]ERPPSPFSMA

ClinVar aggregate classification (germline): Uncertain significance. Review status: criteria provided, single submitter (1 of 4 stars). 2 submissions from 2 submitters: Uncertain significance (1). 1 of the submissions does not count toward it. Last evaluated 2024-10-04.

Conditions:
Cardiovascular phenotype. Identifiers: MedGen CN230736.
CBL-related disorder. Also called: CBL MUTATION-ASSOCIATED SYNDROME; CBL SYNDROME; NOONAN SYNDROME-LIKE DISORDER WITHOUT JUVENILE MYELOMONOCYTIC LEUKEMIA. Identifiers: Orphanet 363972, MedGen C3150803, MONDO:0013308, OMIM 613563.

gnomAD v4.1: 1 of 1,613,934 alleles (0.000062%); highest among the groups gnomAD compares: African/African-American, 0.0013%; no homozygotes.

Submissions (2):

Ambry Genetics
Classification: Uncertain significance for Cardiovascular phenotype. Last evaluated: 2024-10-04. Review status: criteria provided, single submitter. Criteria: Ambry Variant Classification Scheme 2023. Collection method: clinical testing. Allele origin: germline.
Comment: The p.V478L variant (also known as c.1432G>C) is located in coding exon 10 of the CBL gene. The valine at codon 478 is replaced by leucine, an amino acid with highly similar properties. This change occurs in the first base pair of coding exon 10. This amino acid position is conserved. In addition, the in silico prediction for this alteration is inconclusive. Based on the available evidence, the clinical significance of this variant remains unclear.

PreventionGenetics, part of Exact Sciences
Classification: Uncertain significance for CBL-related condition. Last evaluated: 2024-05-31. Review status: no assertion criteria provided. Collection method: clinical testing. Allele origin: germline. Not counted in ClinVar's aggregate classification.
Comment: The CBL c.1432G>C variant is predicted to result in the amino acid substitution p.Val478Leu. To our knowledge, this variant has not been reported as a germline variant in the literature or in a large population database, indicating this variant is rare. At this time, the clinical significance of this variant is uncertain due to the absence of conclusive functional and genetic evidence.